The following is an entry in ClinVar:

ClinVar aggregate classification (germline): Pathogenic (1 of 4 stars; one submission).

Conditions:
TCF12-related craniosynostosis. Also called: Craniosynostosis 3. Identifiers: Orphanet 35098, Orphanet 35099, Orphanet 672979, MedGen C3715051, MONDO:0014128, OMIM 615314.

Submission:

Victorian Clinical Genetics Services, Murdoch Childrens Research Institute
Classification: Pathogenic for TCF12-related craniosynostosis. Last evaluated: 2023-12-21. Review status: criteria provided, single submitter. Criteria: ACMG Guidelines, 2015. Collection method: clinical testing. Allele origin: germline. Inheritance: Autosomal dominant inheritance. Affected: yes.
Comment: Based on the classification scheme VCGS_Germline_v1.3.4, this variant is classified as Pathogenic. Following criteria are met: 0102 - Loss of function is a known mechanism of disease in this gene and is associated with craniosynostosis 3 (MIM#615314) and hypogonadotropic hypogonadism 26 with or without anosmia (MIM#619718). (I) 0107 - This gene is associated with autosomal dominant disease. However, a rare report of autosomal recessive inheritance has also been reported (PMID: 32629054). (I) 0112 - The condition associated with this gene has incomplete penetrance (PMID: 32629054). (I) 0201 - Variant is predicted to cause nonsense-mediated decay (NMD) and loss of protein (premature termination codon is located at least 54 nucleotides upstream of the final exon-exon junction). (SP) 0251 - This variant is heterozygous. (I) 0301 - Variant is absent from gnomAD (both v2 and v3). (SP) 0701 - Other NMD-predicted variants comparable to the one identified in this case have very strong previous evidence for pathogenicity. These variants have been reported many times as pathogenic, and observed in individuals with craniosynostosis, isolated GnRH deficiency and/or anosmia (DECIPHER, PMID: 32629054). (SP) 0807 - This variant has no previous evidence of pathogenicity. (I) 0905 - No published segregation evidence has been identified for this variant. (I) 1007 - No published functional evidence has been identified for this variant. (I) Legend: (SP) - Supporting pathogenic, (I) - Information, (SB) - Supporting benign

Literature cited by the submitters: PubMed 32629054.

NM_207037.2(TCF12):c.1054_1055dup (p.Ser353fs)

Gene: TCF12 (transcription factor 12; plus strand). Cytogenetic location: 15q21.3.
Variant type: Duplication.
Coding change: c.1054_1055dup on transcript NM_207037.2 (MANE Select); coding-DNA positions 1054 to 1055, 2 bases duplicated (AC; older notation c.1054_1055dupAC).
Protein change: p.Ser353fs; shifts the reading frame from serine 353.
Molecular consequence: frameshift variant.
Genome position (GRCh38, 1-based): chr15:57,243,490-57,243,491, AC duplicated. VCF-style (leftmost placement, unchanged base first): chr15-57243489-T-TAC. GRCh37 (hg19) VCF-style: chr15-57535687-T-TAC.
Other names: c.544_545dup, p.Ser183fs (NM_001306219.3, NM_207040.2); c.346_347dup, p.Ser117fs (NM_001306220.3); c.1054_1055dup, p.Ser353fs (NM_001322151.2, NM_001322152.2, NM_001322157.3 and 7 more transcripts); c.397_398dup, p.Ser134fs (NM_001322154.2); c.880_881dup, p.Ser295fs (NM_001322156.2, NM_001322158.2); c.1090_1091dup, p.Ser365fs (NM_001322164.2); short protein forms S117fs, S134fs, S183fs, S295fs, S353fs, S365fs.
Identifiers: ClinVar variation 3255079 (VCV003255079.1), dbSNP rs2551469629.